The following is an entry in ClinVar:

ClinVar aggregate classification (germline): Uncertain significance (1 of 4 stars; one submission).

Conditions:
Congenital contractural arachnodactyly (CCA). Also called: Beals-Hecht syndrome; BEALS SYNDROME; Arthrogryposis, distal, type 9. Identifiers: Orphanet 115, MedGen C0220668, MONDO:0007363, OMIM 121050.

Submission:

Labcorp Genetics (formerly Invitae), Labcorp
Classification: Uncertain significance for Congenital contractural arachnodactyly. Last evaluated: 2025-12-03. Review status: criteria provided, single submitter. Criteria: Invitae Variant Classification Sherloc (09022015). Collection method: clinical testing. Allele origin: germline.
Comment: This sequence change replaces isoleucine, which is neutral and non-polar, with leucine, which is neutral and non-polar, at codon 2847 of the FBN2 protein (p.Ile2847Leu). This variant is not present in population databases (gnomAD no frequency). This variant has not been reported in the literature in individuals affected with FBN2-related conditions. Invitae Evidence Modeling of protein sequence and biophysical properties (such as structural, functional, and spatial information, amino acid conservation, physicochemical variation, residue mobility, and thermodynamic stability) indicates that this missense variant is not expected to disrupt FBN2 protein function with a negative predictive value of 80%. In summary, the available evidence is currently insufficient to determine the role of this variant in disease. Therefore, it has been classified as a Variant of Uncertain Significance.

NM_001999.4(FBN2):c.8539A>C (p.Ile2847Leu)

Gene: FBN2 (fibrillin 2; minus strand). Cytogenetic location: 5q23.3.
Variant type: single nucleotide variant.
Coding change: c.8539A>C on transcript NM_001999.4 (MANE Select); coding-DNA position 8539, A replaced by C.
Protein change: p.Ile2847Leu; replaces isoleucine 2847 with leucine.
Molecular consequence: missense variant.
Genome position (GRCh38, 1-based): chr5:128,259,655, T>G on the plus strand (A>C on the coding strand, the complement: FBN2 is on the minus strand). VCF-style: chr5-128259655-T-G. GRCh37 (hg19) VCF-style: chr5-127595347-T-G.
Other names: short protein forms I2847L.
Identifiers: ClinVar variation 4737686 (VCV004737686.1).